The following is an entry in ClinVar:

NM_004278.4(PIGL):c.679C>T (p.Arg227Cys)

Gene: PIGL (phosphatidylinositol glycan anchor biosynthesis class L; plus strand). Cytogenetic location: 17p11.2.
Variant type: single nucleotide variant.
Coding change: c.679C>T on transcript NM_004278.4 (MANE Select); coding-DNA position 679, C replaced by T.
Protein change: p.Arg227Cys; replaces arginine 227 with cysteine.
Molecular consequence: missense variant.
Genome position (GRCh38, 1-based): chr17:16,325,818, C>T. VCF-style: chr17-16325818-C-T. GRCh37 (hg19) VCF-style: chr17-16229132-C-T.
Other names: c.647C>T, p.Pro216Leu (NM_001411072.1); short protein forms P216L, R227C.
Identifiers: ClinVar variation 4071802 (VCV004071802.1).

ClinVar aggregate classification (germline): Uncertain significance (1 of 4 stars; one submission).

Submission:

GeneDx
Classification: Uncertain significance. Last evaluated: 2025-01-28. Review status: criteria provided, single submitter. Criteria: GeneDx Variant Classification Process June 2021. Collection method: clinical testing. Allele origin: germline. Affected: yes.
Comment: In silico analysis supports that this missense variant has a deleterious effect on protein structure/function; Has not been previously published as pathogenic or benign to our knowledge